The following is an entry in ClinVar:

NM_173630.4(RTTN):c.2391C>T (p.Asp797=)

Gene: RTTN (rotatin; minus strand). Cytogenetic location: 18q22.2.
Variant type: single nucleotide variant.
Coding change: c.2391C>T on transcript NM_173630.4 (MANE Select); coding-DNA position 2391, C replaced by T.
Protein change: p.Asp797=; no amino-acid change (aspartic acid 797 retained).
Molecular consequence: synonymous variant. On other transcripts: 5 prime UTR variant (1).
Genome position (GRCh38, 1-based): chr18:70,145,702, G>A on the plus strand (C>T on the coding strand, the complement: RTTN is on the minus strand). VCF-style: chr18-70145702-G-A. GRCh37 (hg19) VCF-style: chr18-67812938-G-A.
Other names: c.-257C>T (NM_001318520.2).
Identifiers: ClinVar variation 735314 (VCV000735314.28), dbSNP rs746834538, ClinGen allele CA8995897.

ClinVar aggregate classification (germline): Likely benign. Review status: criteria provided, multiple submitters, no conflicts (2 of 4 stars). 2 submissions from 2 submitters: Likely benign (2). Last evaluated 2026-01-01.

Allele frequency attached by ClinVar (database versions not stated): gnomAD 0.00005 and 0.00007; gnomAD exomes 0.00010 and 0.00016; TOPMed 0.00010; ExAC 0.00017.

Submissions (2):

Labcorp Genetics (formerly Invitae), Labcorp
Classification: Likely benign. Last evaluated: 2026-01-01. Review status: criteria provided, single submitter. Criteria: Invitae Variant Classification Sherloc (09022015). Collection method: clinical testing. Allele origin: germline.

CeGaT Center for Human Genetics Tuebingen
Classification: Likely benign. Last evaluated: 2024-12-01. Review status: criteria provided, single submitter. Criteria: CeGaT Center For Human Genetics Tuebingen Variant Classification Criteria Version 2. Collection method: clinical testing. Allele origin: germline. Affected: yes. Observed: 2 variant alleles.
Comment: RTTN: BP4, BP7